The following is an entry in ClinVar:

NM_001005242.3(PKP2):c.1196A>C (p.Lys399Thr)

Gene: PKP2 (plakophilin 2; minus strand). Cytogenetic location: 12p11.21.
Variant type: single nucleotide variant.
Coding change: c.1196A>C on transcript NM_001005242.3 (MANE Select); coding-DNA position 1196, A replaced by C.
Protein change: p.Lys399Thr; replaces lysine 399 with threonine.
Molecular consequence: missense variant.
Genome position (GRCh38, 1-based): chr12:32,850,948, T>G on the plus strand (A>C on the coding strand, the complement: PKP2 is on the minus strand). VCF-style: chr12-32850948-T-G. GRCh37 (hg19) VCF-style: chr12-33003882-T-G.
Other names: c.1196A>C, p.Lys399Thr (NM_001407155.1, NM_001407156.1, NM_001407157.1 and 2 more transcripts); c.869A>C, p.Lys290Thr (NM_001407158.1, NM_001407159.1, NM_001407160.1 and 1 more transcripts); short protein forms K290T, K399T.
Identifiers: ClinVar variation 3419543 (VCV003419543.2).

ClinVar aggregate classification (germline): Uncertain significance. Review status: criteria provided, multiple submitters, no conflicts (2 of 4 stars). 2 submissions from 2 submitters: Uncertain significance (2). Last evaluated 2025-11-17.

Conditions:
Cardiovascular phenotype. Identifiers: MedGen CN230736.
Arrhythmogenic right ventricular dysplasia 9 (ARVD9). Also called: Arrhythmogenic Right Ventricular Dysplasia/Cardiomyopathy 9; ARRHYTHMOGENIC RIGHT VENTRICULAR DYSPLASIA, FAMILIAL, 9. Identifiers: MedGen C1836906, MONDO:0012180, OMIM 609040.

Submissions (2):

Labcorp Genetics (formerly Invitae), Labcorp
Classification: Uncertain significance for Arrhythmogenic right ventricular dysplasia 9. Last evaluated: 2025-11-17. Review status: criteria provided, single submitter. Criteria: Invitae Variant Classification Sherloc (09022015). Collection method: clinical testing. Allele origin: germline.
Comment: This sequence change replaces lysine, which is basic and polar, with threonine, which is neutral and polar, at codon 399 of the PKP2 protein (p.Lys399Thr). This variant is not present in population databases (gnomAD no frequency). This variant has not been reported in the literature in individuals affected with PKP2-related conditions. ClinVar contains an entry for this variant (Variation ID: 3419543). An algorithm developed to predict the effect of missense changes on protein structure and function (PolyPhen-2) suggests that this variant is likely to be disruptive. In summary, the available evidence is currently insufficient to determine the role of this variant in disease. Therefore, it has been classified as a Variant of Uncertain Significance.

Ambry Genetics
Classification: Uncertain significance for Cardiovascular phenotype. Last evaluated: 2024-11-14. Review status: criteria provided, single submitter. Criteria: Ambry Variant Classification Scheme 2023. Collection method: clinical testing. Allele origin: germline.